The following is an entry in ClinVar:

ClinVar aggregate classification (germline): Uncertain significance (1 of 4 stars; one submission).

Conditions:
Long QT syndrome (LQTS). Identifiers: MedGen C0023976, MeSH D008133, MONDO:0002442. Disease mechanism: loss of function. Inheritance: Various modes of inheritance.

Submission:

Labcorp Genetics (formerly Invitae), Labcorp
Classification: Uncertain significance for Long QT syndrome. Last evaluated: 2023-05-30. Review status: criteria provided, single submitter. Criteria: Invitae Variant Classification Sherloc (09022015). Collection method: clinical testing. Allele origin: germline.
Comment: In summary, the available evidence is currently insufficient to determine the role of this variant in disease. Therefore, it has been classified as a Variant of Uncertain Significance. Advanced modeling of protein sequence and biophysical properties (such as structural, functional, and spatial information, amino acid conservation, physicochemical variation, residue mobility, and thermodynamic stability) performed at Invitae indicates that this missense variant is not expected to disrupt CACNA1C protein function. This variant has not been reported in the literature in individuals affected with CACNA1C-related conditions. This variant is not present in population databases (gnomAD no frequency). This sequence change replaces isoleucine, which is neutral and non-polar, with valine, which is neutral and non-polar, at codon 663 of the CACNA1C protein (p.Ile663Val).

NM_000719.7(CACNA1C):c.1987A>G (p.Ile663Val)

Gene: CACNA1C (calcium voltage-gated channel subunit alpha1 C; plus strand). Cytogenetic location: 12p13.33.
Variant type: single nucleotide variant.
Coding change: c.1987A>G on transcript NM_000719.7 (MANE Select); coding-DNA position 1987, A replaced by G.
Protein change: p.Ile663Val; replaces isoleucine 663 with valine.
Molecular consequence: missense variant.
Genome position (GRCh38, 1-based): chr12:2,581,681, A>G. VCF-style: chr12-2581681-A-G. GRCh37 (hg19) VCF-style: chr12-2690847-A-G.
Other names: c.1987A>G, p.Ile663Val (NM_001129827.2, NM_001129829.2, NM_001129830.3 and 18 more transcripts); c.1978A>G, p.Ile660Val (NM_001129844.2); short protein forms I660V, I663V.
Identifiers: ClinVar variation 2750266 (VCV002750266.3), dbSNP rs748674925, ClinGen allele CA231584377.